The following is an entry in ClinVar:

NM_001113378.2(FANCI):c.1064C>G (p.Pro355Arg)

Gene: FANCI (FA complementation group I; plus strand). Cytogenetic location: 15q26.1.
Variant type: single nucleotide variant.
Coding change: c.1064C>G on transcript NM_001113378.2 (MANE Select); coding-DNA position 1064, C replaced by G.
Protein change: p.Pro355Arg; replaces proline 355 with arginine.
Molecular consequence: missense variant.
Genome position (GRCh38, 1-based): chr15:89,274,256, C>G. VCF-style: chr15-89274256-C-G. GRCh37 (hg19) VCF-style: chr15-89817487-C-G.
Other names: c.785C>G, p.Pro262Arg (NM_001376910.1); c.1064C>G, p.Pro355Arg (NM_001376911.1, NM_018193.3); short protein forms P262R, P355R.
Identifiers: ClinVar variation 1721630 (VCV001721630.5), dbSNP rs2506227039, ClinGen allele CA393741687.

ClinVar aggregate classification (germline): Uncertain significance (1 of 4 stars; one submission).

Conditions:
Fanconi anemia (FA). Also called: Fanconi's anemia. Identifiers: Orphanet 84, MedGen C0015625, MeSH D005199, MONDO:0019391.

Submission:

Labcorp Genetics (formerly Invitae), Labcorp
Classification: Uncertain significance for Fanconi anemia. Last evaluated: 2022-12-04. Review status: criteria provided, single submitter. Criteria: Invitae Variant Classification Sherloc (09022015). Collection method: clinical testing. Allele origin: germline.
Comment: Advanced modeling of protein sequence and biophysical properties (such as structural, functional, and spatial information, amino acid conservation, physicochemical variation, residue mobility, and thermodynamic stability) performed at Invitae indicates that this missense variant is expected to disrupt FANCI protein function. ClinVar contains an entry for this variant (Variation ID: 1721630). This variant has not been reported in the literature in individuals affected with FANCI-related conditions. This variant is not present in population databases (gnomAD no frequency). This sequence change replaces proline, which is neutral and non-polar, with arginine, which is basic and polar, at codon 355 of the FANCI protein (p.Pro355Arg). In summary, the available evidence is currently insufficient to determine the role of this variant in disease. Therefore, it has been classified as a Variant of Uncertain Significance.